The following is an entry in ClinVar:

ClinVar aggregate classification (germline): Likely benign. Review status: criteria provided, single submitter (1 of 4 stars). 2 submissions from 2 submitters: Likely benign (1). 1 of the submissions does not count toward it. Last evaluated 2025-12-22.

Conditions:
NFKB2-related disorder. Also called: NFKB2-related condition.
Immunodeficiency, common variable, 10. Also called: IMMUNODEFICIENCY, COMMON VARIABLE, WITH CENTRAL ADRENAL INSUFFICIENCY; DEFICIT IN ANTERIOR PITUITARY FUNCTION AND VARIABLE IMMUNODEFICIENCY. Identifiers: MedGen C3809991, MONDO:0014260, OMIM 615577.

Allele frequency attached by ClinVar (database versions not stated): gnomAD exomes below 0.00001; gnomAD 0.00005; TOPMed 0.00016.

Submissions (2):

Labcorp Genetics (formerly Invitae), Labcorp
Classification: Likely benign for Immunodeficiency, common variable, 10. Last evaluated: 2025-12-22. Review status: criteria provided, single submitter. Criteria: Invitae Variant Classification Sherloc (09022015). Collection method: clinical testing. Allele origin: germline.

PreventionGenetics, part of Exact Sciences
Classification: Likely benign for NFKB2-related condition. Last evaluated: 2024-06-14. Review status: no assertion criteria provided. Collection method: clinical testing. Allele origin: germline. Not counted in ClinVar's aggregate classification.
Comment: This variant is classified as likely benign based on ACMG/AMP sequence variant interpretation guidelines (Richards et al. 2015 PMID: 25741868, with internal and published modifications).

NM_001322934.2(NFKB2):c.1027T>C (p.Leu343=)

Gene: NFKB2 (nuclear factor kappa B subunit 2; plus strand). Cytogenetic location: 10q24.32.
Variant type: single nucleotide variant.
Coding change: c.1027T>C on transcript NM_001322934.2 (MANE Select); coding-DNA position 1027, T replaced by C.
Protein change: p.Leu343=; no amino-acid change (leucine 343 retained).
Molecular consequence: synonymous variant. On other transcripts: intron variant (1).
Genome position (GRCh38, 1-based): chr10:102,398,774, T>C. VCF-style: chr10-102398774-T-C. GRCh37 (hg19) VCF-style: chr10-104158531-T-C.
Other names: c.1027T>C, p.Leu343= (NM_001077493.1, NM_001077494.3, NM_001261403.3 and 2 more transcripts); c.991+251T>C (NM_001322935.1).
Identifiers: ClinVar variation 2169340 (VCV002169340.5), dbSNP rs926057212, ClinGen allele CA212215345.